The following is an entry in ClinVar:

NM_015662.3(IFT172):c.3370T>C (p.Cys1124Arg)

Gene: IFT172 (intraflagellar transport 172; minus strand). Cytogenetic location: 2p23.3.
Variant type: single nucleotide variant.
Coding change: c.3370T>C on transcript NM_015662.3 (MANE Select); coding-DNA position 3370, T replaced by C.
Protein change: p.Cys1124Arg; replaces cysteine 1124 with arginine.
Molecular consequence: missense variant.
Genome position (GRCh38, 1-based): chr2:27,456,512, A>G on the plus strand (T>C on the coding strand, the complement: IFT172 is on the minus strand). VCF-style: chr2-27456512-A-G. GRCh37 (hg19) VCF-style: chr2-27679379-A-G.
Other names: c.3370T>C (NM_015662.2); short protein forms C1124R.
Identifiers: ClinVar variation 1488669 (VCV001488669.9), dbSNP rs931407294, ClinGen allele CA44492703.
Genomic context (GRCh38, chr2:27,456,512, plus strand): 5'-TCTCTAGATAGTGGCTCTGGCTGGGATGGGGCCCGTGGAGAGAAAGCTTGGGGCCTCACC[A>G]ATTGTCTGCAGCGTGGTCAACAGCAGCTTCCAGGAGTCCCAGCTTATTAAGCAGTCTAAC-3'
Protein context (NP_056477.1, residues 1114-1134): EAAVDHAADN[Cys1124Arg]SFEFAFELSR

ClinVar aggregate classification (germline): Uncertain significance. Review status: criteria provided, multiple submitters, no conflicts (2 of 4 stars). 2 submissions from 2 submitters: Uncertain significance (2). Last evaluated 2026-06-13.

Conditions:
Retinitis pigmentosa 71 (RP71). Identifiers: Orphanet 791, MedGen C4225342, MONDO:0014618, OMIM 616394.
Short-rib thoracic dysplasia 10 with or without polydactyly (SRTD10). Identifiers: Orphanet 474, MedGen C3810175, MONDO:0014284, OMIM 615630.
IFT172-related disorder. Also called: IFT172-related condition; IFT172-related disorders.

Allele frequency attached by ClinVar (database versions not stated): TOPMed 0.00001; gnomAD 0.00001.
gnomAD v4.1: 2 of 1,612,790 alleles (0.00012%); highest among the groups gnomAD compares: African/African-American, 0.0027%; no homozygotes.

Submissions (2):

PreventionGenetics, part of Exact Sciences
Classification: Uncertain significance for IFT172-related condition. Last evaluated: 2026-06-13. Review status: criteria provided, single submitter. Criteria: ACMG Guidelines, 2015. Collection method: clinical testing. Allele origin: germline.
Comment: The IFT172 c.3370T>C variant is predicted to result in the amino acid substitution p.Cys1124Arg. To our knowledge, this variant has not been reported in the literature or in a large population database (gnomAD), indicating this variant is rare. At this time, the clinical significance of this variant is uncertain due to the absence of conclusive functional and genetic evidence.

Labcorp Genetics (formerly Invitae), Labcorp
Classification: Uncertain significance for Retinitis pigmentosa 71; Short-rib thoracic dysplasia 10 with or without polydactyly. Last evaluated: 2024-11-05. Review status: criteria provided, single submitter. Criteria: Invitae Variant Classification Sherloc (09022015). Collection method: clinical testing. Allele origin: germline.
Comment: This sequence change replaces cysteine, which is neutral and slightly polar, with arginine, which is basic and polar, at codon 1124 of the IFT172 protein (p.Cys1124Arg). This variant is not present in population databases (gnomAD no frequency). This variant has not been reported in the literature in individuals affected with IFT172-related conditions. ClinVar contains an entry for this variant (Variation ID: 1488669). Invitae Evidence Modeling of protein sequence and biophysical properties (such as structural, functional, and spatial information, amino acid conservation, physicochemical variation, residue mobility, and thermodynamic stability) indicates that this missense variant is not expected to disrupt IFT172 protein function with a negative predictive value of 95%. In summary, the available evidence is currently insufficient to determine the role of this variant in disease. Therefore, it has been classified as a Variant of Uncertain Significance.